The following is an entry in ClinVar:

ClinVar aggregate classification (germline): Uncertain significance (1 of 4 stars; one submission).

Conditions:
Hereditary cancer-predisposing syndrome. Also called: Hereditary Cancer Syndrome; Neoplastic Syndromes, Hereditary; Hereditary neoplastic syndrome; Tumor predisposition. Identifiers: Orphanet 140162, MedGen C0027672, MeSH D009386, MONDO:0015356.

Submission:

Ambry Genetics
Classification: Uncertain significance for Hereditary cancer-predisposing syndrome. Last evaluated: 2013-09-04. Review status: criteria provided, single submitter. Criteria: Ambry Autosomal Dominant and X-Linked criteria (10/2015). Collection method: clinical testing. Allele origin: germline. Observed: 1 variant allele.
Comment: The c.1447+4dupA intronic variant results from the duplication of a single nucleotide at the +4 position after coding exon 10 of the SMAD4 gene. This variant was not reported in population-based cohorts in the following databases: Database of Single Nucleotide Polymorphisms (dbSNP), NHLBI Exome Sequencing Project (ESP) and 1000 Genomes Project. Based on nucleotide sequence alignment, this position is highly conserved in available vertebrate species. Using the BDGP and ESEfinder splice site prediction tools, this alteration does have a significant effect on the native donor splice site; however, direct evidence is unavailable. Since supporting evidence is limited at this time, the clinical significance of c.1447+4dupA remains unclear.

NM_005359.6(SMAD4):c.1447+4dup

Gene: SMAD4 (SMAD family member 4; plus strand). Cytogenetic location: 18q21.2.
Variant type: Duplication.
Coding change: c.1447+4dup on transcript NM_005359.6 (MANE Select); 4 bases into the intron after coding-DNA position 1447, one base duplicated (A; older notation c.1447+4dupA).
Molecular consequence: intron variant.
Genome position (GRCh38, 1-based): chr18:51,076,780, A duplicated; the last of 2 consecutive A bases (chr18:51,076,779-51,076,780); duplicating either gives the same sequence. VCF-style (leftmost placement, unchanged base first): chr18-51076778-T-TA. GRCh37 (hg19) VCF-style: chr18-48603148-T-TA.
Other names: c.1447+4dupA (NM_005359.5).
Identifiers: ClinVar variation 142566 (VCV000142566.3), dbSNP rs1555687399, ClinGen allele CA168718.